The following is an entry in ClinVar:

ClinVar aggregate classification (germline): Uncertain significance (1 of 4 stars; one submission).

Conditions:
Heterotopia, periventricular, X-linked dominant (PVNH1). Also called: PERIVENTRICULAR NODULAR HETEROTOPIA 4; HETEROTOPIA, PERIVENTRICULAR, 1; PERIVENTRICULAR NODULAR HETEROTOPIA 1; X-linked periventricular heterotopia. Identifiers: Orphanet 2149, Orphanet 82004, MedGen C1848213, MONDO:0010233, OMIM 300049.
Oto-palato-digital syndrome, type II (OPD2). Also called: Otopalatodigital Syndrome, Type II; Otopalatodigital Syndrome Type 2 (FLNA-OPD2); FACIOPALATOOSSEOUS SYNDROME; OPD II SYNDROME. Identifiers: Orphanet 669, Orphanet 90652, MedGen C1844696, MONDO:0010571, OMIM 304120.
Frontometaphyseal dysplasia (FMD1). Identifiers: Orphanet 1826, MedGen C0265293, MONDO:0015942.
Melnick-Needles syndrome (MNS). Also called: Melnick-Needles Syndrome (FLNA-MNS); MELNICK-NEEDLES OSTEODYSPLASTY; OSTEODYSPLASTY OF MELNICK AND NEEDLES. Identifiers: Orphanet 2484, MedGen C0025237, MONDO:0010650, OMIM 309350.

Allele frequency attached by ClinVar (database versions not stated): gnomAD exomes 0.00001; ExAC 0.00001.
gnomAD v4.1: 10 of 1,211,083 alleles (0.00083%); highest among the groups gnomAD compares: South Asian, 0.0018%; no homozygotes.

Submission:

Labcorp Genetics (formerly Invitae), Labcorp
Classification: Uncertain significance for Oto-palato-digital syndrome, type II; Heterotopia, periventricular, X-linked dominant; Frontometaphyseal dysplasia; Melnick-Needles syndrome. Last evaluated: 2024-07-27. Review status: criteria provided, single submitter. Criteria: Invitae Variant Classification Sherloc (09022015). Collection method: clinical testing. Allele origin: germline.
Comment: This sequence change replaces glycine, which is neutral and non-polar, with serine, which is neutral and polar, at codon 1096 of the FLNA protein (p.Gly1096Ser). This variant is present in population databases (rs782149159, gnomAD 0.003%). This variant has not been reported in the literature in individuals affected with FLNA-related conditions. ClinVar contains an entry for this variant (Variation ID: 405453). Advanced modeling of protein sequence and biophysical properties (such as structural, functional, and spatial information, amino acid conservation, physicochemical variation, residue mobility, and thermodynamic stability) has been performed at Invitae for this missense variant, however the output from this modeling did not meet the statistical confidence thresholds required to predict the impact of this variant on FLNA protein function. In summary, the available evidence is currently insufficient to determine the role of this variant in disease. Therefore, it has been classified as a Variant of Uncertain Significance.

NM_001110556.2(FLNA):c.3286G>A (p.Gly1096Ser)

Gene: FLNA (filamin A; minus strand). Cytogenetic location: Xq28.
Variant type: single nucleotide variant.
Coding change: c.3286G>A on transcript NM_001110556.2 (MANE Select); coding-DNA position 3286, G replaced by A.
Protein change: p.Gly1096Ser; replaces glycine 1096 with serine.
Molecular consequence: missense variant.
Genome position (GRCh38, 1-based): chrX:154,360,509, C>T on the plus strand (G>A on the coding strand, the complement: FLNA is on the minus strand). VCF-style: chrX-154360509-C-T. GRCh37 (hg19) VCF-style: chrX-153588877-C-T.
Other names: c.3286G>A, p.Gly1096Ser (NM_001456.4); short protein forms G1096S.
Identifiers: ClinVar variation 405453 (VCV000405453.10), dbSNP rs782149159, ClinGen allele CA10560732.